The following is an entry in ClinVar:

NM_003737.4(DCHS1):c.760G>T (p.Ala254Ser)

Gene: DCHS1 (dachsous cadherin-related 1; minus strand). Cytogenetic location: 11p15.4.
Variant type: single nucleotide variant.
Coding change: c.760G>T on transcript NM_003737.4 (MANE Select); coding-DNA position 760, G replaced by T.
Protein change: p.Ala254Ser; replaces alanine 254 with serine.
Molecular consequence: missense variant.
Genome position (GRCh38, 1-based): chr11:6,640,854, C>A on the plus strand (G>T on the coding strand, the complement: DCHS1 is on the minus strand). VCF-style: chr11-6640854-C-A. GRCh37 (hg19) VCF-style: chr11-6662085-C-A.
Other names: short protein forms A254S.
Identifiers: ClinVar variation 2722053 (VCV002722053.3), dbSNP rs1450376221, ClinGen allele CA379440292.

ClinVar aggregate classification (germline): Uncertain significance (1 of 4 stars; one submission).

Allele frequency attached by ClinVar (database versions not stated): TOPMed 0.00002; gnomAD 0.00001; gnomAD exomes 0.00002.
gnomAD v4.1: 34 of 1,613,936 alleles (0.0021%); highest among the groups gnomAD compares: Non-Finnish European, 0.0027%; no homozygotes.

Submission:

Labcorp Genetics (formerly Invitae), Labcorp
Classification: Uncertain significance. Last evaluated: 2025-05-19. Review status: criteria provided, single submitter. Criteria: Invitae Variant Classification Sherloc (09022015). Collection method: clinical testing. Allele origin: germline.
Comment: This sequence change replaces alanine, which is neutral and non-polar, with serine, which is neutral and polar, at codon 254 of the DCHS1 protein (p.Ala254Ser). This variant is present in population databases (no rsID available, gnomAD 0.0009%). This variant has not been reported in the literature in individuals affected with DCHS1-related conditions. ClinVar contains an entry for this variant (Variation ID: 2722053). Invitae Evidence Modeling of protein sequence and biophysical properties (such as structural, functional, and spatial information, amino acid conservation, physicochemical variation, residue mobility, and thermodynamic stability) indicates that this missense variant is not expected to disrupt DCHS1 protein function with a negative predictive value of 80%. In summary, the available evidence is currently insufficient to determine the role of this variant in disease. Therefore, it has been classified as a Variant of Uncertain Significance.